The following is an entry in ClinVar:

NM_004100.5(EYA4):c.580G>A (p.Asp194Asn)

Gene: EYA4 (EYA transcriptional coactivator and phosphatase 4; plus strand). Cytogenetic location: 6q23.2.
Variant type: single nucleotide variant.
Coding change: c.580G>A on transcript NM_004100.5 (MANE Select); coding-DNA position 580, G replaced by A.
Protein change: p.Asp194Asn; replaces aspartic acid 194 with asparagine.
Molecular consequence: missense variant.
Genome position (GRCh38, 1-based): chr6:133,462,477, G>A. VCF-style: chr6-133462477-G-A. GRCh37 (hg19) VCF-style: chr6-133783615-G-A.
Other names: c.418G>A, p.Asp140Asn (NM_001301012.2, NM_001370459.1); c.580G>A, p.Asp194Asn (NM_001301013.2, NM_172105.4); c.511G>A, p.Asp171Asn (NM_001370458.1, NM_172103.4); short protein forms D140N, D171N, D194N.
Identifiers: ClinVar variation 1317222 (VCV001317222.7), dbSNP rs1199874172, ClinGen allele CA365698571.

ClinVar aggregate classification (germline): Pathogenic/Likely pathogenic. Review status: criteria provided, multiple submitters, no conflicts (2 of 4 stars). 2 submissions from 2 submitters: Pathogenic (1); Likely pathogenic (1). Last evaluated 2024-12-26.

Conditions:
Dilated cardiomyopathy 1J (CMD1J). Also called: CARDIOMYOPATHY, DILATED, WITH SENSORINEURAL HEARING LOSS, AUTOSOMAL DOMINANT. Identifiers: Orphanet 217622, MedGen C1854368, MONDO:0011541, OMIM 605362.

Allele frequency attached by ClinVar (database versions not stated): gnomAD exomes below 0.00001; gnomAD 0.00001.
gnomAD v4.1: 2 of 1,613,328 alleles (0.00012%); highest among the groups gnomAD compares: Non-Finnish European, 0.00017%; no homozygotes.

Submissions (2):

GeneDx
Classification: Pathogenic. Last evaluated: 2024-12-26. Review status: criteria provided, single submitter. Criteria: GeneDx Variant Classification Process June 2021. Collection method: clinical testing. Allele origin: germline. Affected: yes.
Comment: Published functional studies suggest a deleterious effect on splicing (PMID: 34956325); Not observed at significant frequency in large population cohorts (gnomAD); In silico analysis supports that this missense variant has a deleterious effect on splicing; In silico analysis indicates that this missense variant does not alter protein structure/function; This variant is associated with the following publications: (PMID: 34956325)

Labcorp Genetics (formerly Invitae), Labcorp
Classification: Likely pathogenic for Dilated cardiomyopathy 1J. Last evaluated: 2023-09-17. Review status: criteria provided, single submitter. Criteria: Invitae Variant Classification Sherloc (09022015). Collection method: clinical testing. Allele origin: germline.
Comment: This sequence change replaces aspartic acid, which is acidic and polar, with asparagine, which is neutral and polar, at codon 194 of the EYA4 protein (p.Asp194Asn). This variant also falls at the last nucleotide of exon 8, which is part of the consensus splice site for this exon. This variant is present in population databases (no rsID available, gnomAD 0.0009%). This missense change has been observed in individual(s) with autosomal dominant deafness (PMID: 34956325). It has also been observed to segregate with disease in related individuals. ClinVar contains an entry for this variant (Variation ID: 1317222). An algorithm developed to predict the effect of missense changes on protein structure and function (PolyPhen-2) suggests that this variant is likely to be disruptive. Variants that disrupt the consensus splice site are a relatively common cause of aberrant splicing (PMID: 17576681, 9536098). Studies have shown that this missense change alters mRNA splicing and is expected to lead to the loss of protein expression (PMID: 34956325). In summary, the currently available evidence indicates that the variant is pathogenic, but additional data are needed to prove that conclusively. Therefore, this variant has been classified as Likely Pathogenic.

Literature cited by the submitters: PubMed 34956325 (cited by Labcorp Genetics (formerly Invitae), Labcorp); PubMed 17576681 (cited by Labcorp Genetics (formerly Invitae), Labcorp); PubMed 9536098 (cited by Labcorp Genetics (formerly Invitae), Labcorp).